The following is an entry in ClinVar:

NM_000094.4(COL7A1):c.3527C>T (p.Pro1176Leu)

Gene: COL7A1 (collagen type VII alpha 1 chain; minus strand). Cytogenetic location: 3p21.31.
Variant type: single nucleotide variant.
Coding change: c.3527C>T on transcript NM_000094.4 (MANE Select); coding-DNA position 3527, C replaced by T.
Protein change: p.Pro1176Leu; replaces proline 1176 with leucine.
Molecular consequence: missense variant.
Genome position (GRCh38, 1-based): chr3:48,586,355, G>A on the plus strand (C>T on the coding strand, the complement: COL7A1 is on the minus strand). VCF-style: chr3-48586355-G-A. GRCh37 (hg19) VCF-style: chr3-48623788-G-A.
Other names: short protein forms P1176L.
Identifiers: ClinVar variation 3774052 (VCV003774052.1).

ClinVar aggregate classification (germline): Uncertain significance (1 of 4 stars; one submission).

gnomAD v4.1: 4 of 1,613,836 alleles (0.00025%); highest among the groups gnomAD compares: South Asian, 0.0022%; no homozygotes.

Submission:

GeneDx
Classification: Uncertain significance. Last evaluated: 2024-09-18. Review status: criteria provided, single submitter. Criteria: GeneDx Variant Classification Process June 2021. Collection method: clinical testing. Allele origin: germline. Affected: yes.
Comment: Not observed at significant frequency in large population cohorts (gnomAD); In silico analysis supports that this missense variant has a deleterious effect on protein structure/function; Has not been previously published as pathogenic or benign to our knowledge